The following is an entry in ClinVar:

ClinVar aggregate classification (germline): Uncertain significance (1 of 4 stars; one submission).

Allele frequency attached by ClinVar (database versions not stated): gnomAD exomes below 0.00001; ExAC 0.00001; TOPMed 0.00001; gnomAD 0.00003.

Submission:

Labcorp Genetics (formerly Invitae), Labcorp
Classification: Uncertain significance. Last evaluated: 2022-03-25. Review status: criteria provided, single submitter. Criteria: Invitae Variant Classification Sherloc (09022015). Collection method: clinical testing. Allele origin: germline.
Comment: This sequence change replaces methionine, which is neutral and non-polar, with threonine, which is neutral and polar, at codon 1337 of the ASPM protein (p.Met1337Thr). This variant is present in population databases (rs771581787, gnomAD 0.0009%). This variant has not been reported in the literature in individuals affected with ASPM-related conditions. Algorithms developed to predict the effect of missense changes on protein structure and function output the following: SIFT: "Tolerated"; PolyPhen-2: "Benign"; Align-GVGD: "Class C0". The threonine amino acid residue is found in multiple mammalian species, which suggests that this missense change does not adversely affect protein function. In summary, the available evidence is currently insufficient to determine the role of this variant in disease. Therefore, it has been classified as a Variant of Uncertain Significance.

NM_018136.5(ASPM):c.4010T>C (p.Met1337Thr)

Gene: ASPM (assembly factor for spindle microtubules; minus strand). Cytogenetic location: 1q31.3.
Variant type: single nucleotide variant.
Coding change: c.4010T>C on transcript NM_018136.5 (MANE Select); coding-DNA position 4010, T replaced by C.
Protein change: p.Met1337Thr; replaces methionine 1337 with threonine.
Molecular consequence: missense variant.
Genome position (GRCh38, 1-based): chr1:197,117,844, A>G on the plus strand (T>C on the coding strand, the complement: ASPM is on the minus strand). VCF-style: chr1-197117844-A-G. GRCh37 (hg19) VCF-style: chr1-197086974-A-G.
Other names: c.4010T>C, p.Met1337Thr (NM_001206846.2); short protein forms M1337T.
Identifiers: ClinVar variation 1925846 (VCV001925846.4), dbSNP rs771581787, ClinGen allele CA1310025.
Genomic context (GRCh38, chr1:197,117,844, plus strand): 5'-TATACCTGAATAAGTGATGCTGCTTTATTTTGAACTTTTTCCAGCTTTTCCTTTTTTAAC[A>G]TTAATAATTTTCTCTGTGCTAAGACTCTTCGCCAATATTTCTGAATGACGAGTGCTGCAT-3'
Protein context (NP_060606.3, residues 1327-1347): RRVLAQRKLL[Met1337Thr]LKKEKLEKVQ